The following is an entry in ClinVar:

ClinVar aggregate classification (germline): Likely pathogenic (1 of 4 stars; one submission).

Conditions:
Dilated cardiomyopathy 1G (CMD1G). Identifiers: Orphanet 154, MedGen C1858763, MONDO:0011400, OMIM 604145.
Autosomal recessive limb-girdle muscular dystrophy type 2J (LGMDR10). Also called: Limb-girdle muscular dystrophy, type 2J; MUSCULAR DYSTROPHY, LIMB-GIRDLE, AUTOSOMAL RECESSIVE 10. Identifiers: Orphanet 140922, MedGen C1837342, MONDO:0012127, OMIM 608807.

Submission:

Labcorp Genetics (formerly Invitae), Labcorp
Classification: Likely pathogenic for Dilated cardiomyopathy 1G; Autosomal recessive limb-girdle muscular dystrophy type 2J. Last evaluated: 2024-04-08. Review status: criteria provided, single submitter. Criteria: Invitae Variant Classification Sherloc (09022015). Collection method: clinical testing. Allele origin: germline.
Comment: This sequence change creates a premature translational stop signal (p.Gly32859Alafs*6) in the TTN gene. While this is not anticipated to result in nonsense mediated decay, it is expected to create a truncated TTN protein. This variant is not present in population databases (gnomAD no frequency). This variant has not been reported in the literature in individuals affected with TTN-related conditions. This variant is located in the A band of TTN (PMID: 25589632). Truncating variants in this region are significantly overrepresented in patients affected with dilated cardiomyopathy (PMID: 25589632). Truncating variants in this region have also been reported in individuals affected with autosomal recessive centronuclear myopathy (PMID: 23975875). In summary, the currently available evidence indicates that the variant is pathogenic, but additional data are needed to prove that conclusively. Therefore, this variant has been classified as Likely Pathogenic.

Literature cited by the submitters: PubMed 25589632; PubMed 23975875.

NM_001267550.2(TTN):c.98574del (p.Gly32859fs)

Genes: TTN-AS1 (TTN antisense RNA 1; plus strand), TTN (titin; minus strand). Cytogenetic location: 2q31.2.
Variant type: Deletion.
Coding change: c.98574del on transcript NM_001267550.2 (MANE Select); coding-DNA position 98574, one base deleted (A; older notation c.98574delA).
Protein change: p.Gly32859fs; shifts the reading frame from glycine 32859.
Molecular consequence: frameshift variant. On other transcripts: non-coding transcript variant (1).
Genome position (GRCh38, 1-based): chr2:178,539,491, T deleted on the plus strand (A on the coding strand, the reverse complement: TTN is on the minus strand); the first of 4 consecutive T bases (chr2:178,539,491-178,539,494); deleting any one gives the same sequence. VCF-style (leftmost placement, unchanged base first): chr2-178539490-CT-C. GRCh37 (hg19) VCF-style: chr2-179404217-CT-C.
Other names: c.93651del, p.Gly31218fs (NM_001256850.1); c.71379del, p.Gly23794fs (NM_003319.4); c.90870del, p.Gly30291fs (NM_133378.4); c.71754del, p.Gly23919fs (NM_133432.3); c.71955del, p.Gly23986fs (NM_133437.4); short protein forms G23794fs, G23919fs, G23986fs, G30291fs, G31218fs, G32859fs.
Identifiers: ClinVar variation 3755756 (VCV003755756.2).